The following is an entry in ClinVar:

NM_001127222.2(CACNA1A):c.3221C>A (p.Ala1074Asp)

Gene: CACNA1A (calcium voltage-gated channel subunit alpha1 A; minus strand). Cytogenetic location: 19p13.13.
Variant type: single nucleotide variant.
Coding change: c.3221C>A on transcript NM_001127222.2 (MANE Select); coding-DNA position 3221, C replaced by A.
Protein change: p.Ala1074Asp; replaces alanine 1074 with aspartic acid.
Molecular consequence: missense variant.
Genome position (GRCh38, 1-based): chr19:13,286,835, G>T on the plus strand (C>A on the coding strand, the complement: CACNA1A is on the minus strand). VCF-style: chr19-13286835-G-T. GRCh37 (hg19) VCF-style: chr19-13397649-G-T.
Other names: c.3233C>A, p.Ala1078Asp (NM_000068.4, NM_023035.3); c.3224C>A, p.Ala1075Asp (NM_001127221.2, NM_001174080.2); short protein forms A1074D, A1075D, A1078D.
Identifiers: ClinVar variation 3893450 (VCV003893450.2).
Genomic context (GRCh38, chr19:13,286,835, plus strand): 5'-GGGCTCTGGGGCAGGCCGGCGTGGCCAAGGCTGCCGTGGGGAGCGGCCGACTCCGCGGTG[G>T]CCAGCTTGTTGTTCTTCATGTTGTCAATATCCTCTGCCAGGGGTGGGTCTTGGCGGCCCA-3'
Protein context (NP_001120694.1, residues 1064-1084): DIDNMKNNKL[Ala1074Asp]TAESAAPHGS

ClinVar aggregate classification (germline): Uncertain significance (1 of 4 stars; one submission).

Submission:

GeneDx
Classification: Uncertain significance. Last evaluated: 2025-06-13. Review status: criteria provided, single submitter. Criteria: GeneDx Variant Classification Process June 2021. Collection method: clinical testing. Allele origin: germline.
Comment: Not observed at significant frequency in large population cohorts (gnomAD); In silico analysis supports that this missense variant has a deleterious effect on protein structure/function; Has not been previously published as pathogenic or benign to our knowledge